The following is an entry in ClinVar:

NM_022829.6(SLC13A3):c.205C>T (p.Leu69Phe)

Gene: SLC13A3 (solute carrier family 13 member 3; minus strand). Cytogenetic location: 20q13.12.
Variant type: single nucleotide variant.
Coding change: c.205C>T on transcript NM_022829.6 (MANE Select); coding-DNA position 205, C replaced by T.
Protein change: p.Leu69Phe; replaces leucine 69 with phenylalanine.
Molecular consequence: missense variant. On other transcripts: intron variant (1).
Genome position (GRCh38, 1-based): chr20:46,613,632, G>A on the plus strand (C>T on the coding strand, the complement: SLC13A3 is on the minus strand). VCF-style: chr20-46613632-G-A. GRCh37 (hg19) VCF-style: chr20-45242271-G-A.
Other names: c.64C>T, p.Leu22Phe (NM_001011554.3, NM_001193340.2); c.205C>T, p.Leu69Phe (NM_001193339.2); c.-10-80C>T (NM_001193342.2); c.205C>T (NM_022829.5); short protein forms L22F, L69F.
Identifiers: ClinVar variation 2190887 (VCV002190887.5), dbSNP rs755645897, ClinGen allele CA9891690.

ClinVar aggregate classification (germline): Uncertain significance. Review status: criteria provided, multiple submitters, no conflicts (2 of 4 stars). 2 submissions from 2 submitters: Uncertain significance (2). Last evaluated 2024-12-04.

Allele frequency attached by ClinVar (database versions not stated): gnomAD 0.00001; gnomAD exomes 0.00001; ExAC 0.00003; TOPMed 0.00006.

Submissions (2):

Ambry Genetics
Classification: Uncertain significance. Last evaluated: 2024-12-04. Review status: criteria provided, single submitter. Criteria: Ambry Variant Classification Scheme 2023. Collection method: clinical testing. Allele origin: germline.

Labcorp Genetics (formerly Invitae), Labcorp
Classification: Uncertain significance. Last evaluated: 2021-12-20. Review status: criteria provided, single submitter. Criteria: Invitae Variant Classification Sherloc (09022015). Collection method: clinical testing. Allele origin: germline.
Comment: This sequence change replaces leucine, which is neutral and non-polar, with phenylalanine, which is neutral and non-polar, at codon 69 of the SLC13A3 protein (p.Leu69Phe). In summary, the available evidence is currently insufficient to determine the role of this variant in disease. Therefore, it has been classified as a Variant of Uncertain Significance. Algorithms developed to predict the effect of missense changes on protein structure and function output the following: SIFT: "Tolerated"; PolyPhen-2: "Benign"; Align-GVGD: "Class C0". The phenylalanine amino acid residue is found in multiple mammalian species, which suggests that this missense change does not adversely affect protein function. This variant has not been reported in the literature in individuals affected with SLC13A3-related conditions. This variant is present in population databases (rs755645897, gnomAD 0.02%).